The following is an entry in ClinVar:

ClinVar aggregate classification (germline): Uncertain significance (1 of 4 stars; one submission).

Conditions:
Developmental and epileptic encephalopathy, 42 (DEE42A). Also called: DEVELOPMENTAL AND EPILEPTIC ENCEPHALOPATHY 42A; EPILEPTIC ENCEPHALOPATHY, EARLY INFANTILE, 42A; Epileptic encephalopathy, early infantile, 42. Identifiers: MedGen C4310716, MONDO:0014917, OMIM 617106.
Episodic ataxia type 2 (EA2). Also called: ACETAZOLAMIDE-RESPONSIVE HEREDITARY PAROXYSMAL CEREBELLAR ATAXIA; ATAXIA, EPISODIC, WITH NYSTAGMUS; ATAXIA, FAMILIAL PAROXYSMAL; CEREBELLAR ATAXIA, PAROXYSMAL, ACETAZOLAMIDE-RESPONSIVE; CEREBELLOPATHY, HEREDITARY PAROXYSMAL; EPISODIC ATAXIA, NYSTAGMUS-ASSOCIATED. Identifiers: Orphanet 97, MedGen C1720416, MONDO:0007163, OMIM 108500.

Submission:

Labcorp Genetics (formerly Invitae), Labcorp
Classification: Uncertain significance for Developmental and epileptic encephalopathy, 42; Episodic ataxia type 2. Last evaluated: 2022-05-21. Review status: criteria provided, single submitter. Criteria: Invitae Variant Classification Sherloc (09022015). Collection method: clinical testing. Allele origin: germline.
Comment: This variant is not present in population databases (gnomAD no frequency). In summary, the available evidence is currently insufficient to determine the role of this variant in disease. Therefore, it has been classified as a Variant of Uncertain Significance. Advanced modeling of protein sequence and biophysical properties (such as structural, functional, and spatial information, amino acid conservation, physicochemical variation, residue mobility, and thermodynamic stability) performed at Invitae indicates that this missense variant is not expected to disrupt CACNA1A protein function. This variant has not been reported in the literature in individuals affected with CACNA1A-related conditions. This sequence change replaces glycine, which is neutral and non-polar, with serine, which is neutral and polar, at codon 1000 of the CACNA1A protein (p.Gly1000Ser).

NM_001127222.2(CACNA1A):c.2995G>A (p.Gly999Ser)

Gene: CACNA1A (calcium voltage-gated channel subunit alpha1 A; minus strand). Cytogenetic location: 19p13.13.
Variant type: single nucleotide variant.
Coding change: c.2995G>A on transcript NM_001127222.2 (MANE Select); coding-DNA position 2995, G replaced by A.
Protein change: p.Gly999Ser; replaces glycine 999 with serine.
Molecular consequence: missense variant.
Genome position (GRCh38, 1-based): chr19:13,298,638, C>T on the plus strand (G>A on the coding strand, the complement: CACNA1A is on the minus strand). VCF-style: chr19-13298638-C-T. GRCh37 (hg19) VCF-style: chr19-13409452-C-T.
Other names: c.3007G>A, p.Gly1003Ser (NM_000068.4, NM_023035.3); c.2998G>A, p.Gly1000Ser (NM_001127221.2, NM_001174080.2); short protein forms G1000S, G999S, G1003S.
Identifiers: ClinVar variation 2056778 (VCV002056778.4), dbSNP rs2512905082, ClinGen allele CA404342293.